The following is an entry in ClinVar:

NM_000368.5(TSC1):c.792_793dup (p.Asp265fs)

Gene: TSC1 (TSC complex subunit 1; minus strand). Cytogenetic location: 9q34.13.
Variant type: Duplication.
Coding change: c.792_793dup on transcript NM_000368.5 (MANE Select); coding-DNA positions 792 to 793, 2 bases duplicated (GG; older notation c.792_793dupGG).
Protein change: p.Asp265fs; shifts the reading frame from aspartic acid 265.
Molecular consequence: frameshift variant. On other transcripts: 5 prime UTR variant (5), non-coding transcript variant (5).
Genome position (GRCh38, 1-based): chr9:132,912,402-132,912,403, CC duplicated on the plus strand (GG on the coding strand, the reverse complement: TSC1 is on the minus strand). VCF-style (leftmost placement, unchanged base first): chr9-132912401-T-TCC. GRCh37 (hg19) VCF-style: chr9-135787788-T-TCC.
Other names: c.792_793dupGG (NM_000368.4); c.792_793dup, p.Asp265fs (NM_001162426.2, NM_001406592.1, NM_001406593.1 and 16 more transcripts); c.639_640dup, p.Asp214fs (NM_001162427.2, NM_001406612.1, NM_001406613.1 and 2 more transcripts); c.429_430dup, p.Asp144fs (NM_001362177.2, NM_001406614.1, NM_001406615.1 and 10 more transcripts); c.-160_-159dup (NM_001406626.1, NM_001406627.1, NM_001406628.1); c.-302_-301dup (NM_001406629.1, NM_001406630.1); short protein forms D144fs, D214fs, D265fs.
Identifiers: ClinVar variation 2573401 (VCV002573401.1), dbSNP rs2538894614, ClinGen allele CA2580617122.

ClinVar aggregate classification (germline): Pathogenic (1 of 4 stars; one submission).

Conditions:
Tuberous sclerosis syndrome (TSC). Also called: Tuberous sclerosis; Tuberous Sclerosis Complex. Identifiers: Orphanet 805, MedGen C0041341, MONDO:0001734.

Submission:

Women's Health and Genetics/Laboratory Corporation of America, LabCorp
Classification: Pathogenic for Tuberous sclerosis syndrome. Last evaluated: 2023-06-26. Review status: criteria provided, single submitter. Criteria: LabCorp Variant Classification Summary - May 2015. Collection method: clinical testing. Allele origin: germline.
Comment: Variant summary: TSC1 c.792_793dupGG (p.Asp265GlyfsX54) results in a premature termination codon, predicted to cause absence of the protein due to nonsense mediated decay, which is a commonly known mechanism for disease. The variant was absent in 251438 control chromosomes. To our knowledge, no occurrence of c.792_793dupGG in individuals affected with TSC1-related conditions and no experimental evidence demonstrating its impact on protein function have been reported. No submitters have cited clinical-significance assessments for this variant to ClinVar after 2014. Based on the evidence outlined above, the variant was classified as pathogenic.